The following is an entry in ClinVar:

ClinVar aggregate classification (germline): Uncertain significance (1 of 4 stars; one submission).

Conditions:
Intellectual developmental disorder, autosomal recessive 7. Also called: Intellectual disability, autosomal recessive 7. Identifiers: Orphanet 88616, MedGen C1970197, MONDO:0012615, OMIM 611093.

gnomAD v4.1: 17 of 1,613,662 alleles (0.0011%); highest among the groups gnomAD compares: Middle Eastern, 0.016%; no homozygotes.

Submission:

Labcorp Genetics (formerly Invitae), Labcorp
Classification: Uncertain significance for Intellectual developmental disorder, autosomal recessive 7. Last evaluated: 2022-08-07. Review status: criteria provided, single submitter. Criteria: Invitae Variant Classification Sherloc (09022015). Collection method: clinical testing. Allele origin: germline.
Comment: In summary, the available evidence is currently insufficient to determine the role of this variant in disease. Therefore, it has been classified as a Variant of Uncertain Significance. Algorithms developed to predict the effect of missense changes on protein structure and function (SIFT, PolyPhen-2, Align-GVGD) all suggest that this variant is likely to be tolerated. This variant has not been reported in the literature in individuals affected with TUSC3-related conditions. This variant is present in population databases (rs367782565, gnomAD 0.004%). This sequence change replaces proline, which is neutral and non-polar, with alanine, which is neutral and non-polar, at codon 80 of the TUSC3 protein (p.Pro80Ala).

NM_006765.4(TUSC3):c.238C>G (p.Pro80Ala)

Gene: TUSC3 (tumor suppressor candidate 3; plus strand). Cytogenetic location: 8p22.
Variant type: single nucleotide variant.
Coding change: c.238C>G on transcript NM_006765.4 (MANE Select); coding-DNA position 238, C replaced by G.
Protein change: p.Pro80Ala; replaces proline 80 with alanine.
Molecular consequence: missense variant.
Genome position (GRCh38, 1-based): chr8:15,623,179, C>G. VCF-style: chr8-15623179-C-G. GRCh37 (hg19) VCF-style: chr8-15480688-C-G.
Other names: c.238C>G, p.Pro80Ala (NM_001356429.2, NM_001413583.1, NM_001413673.1 and 17 more transcripts); c.70C>G, p.Pro24Ala (NM_001413669.1, NM_001413671.1, NM_001413672.1); c.178C>G, p.Pro60Ala (NM_001413670.1); c.-77C>G (NM_001413677.1); short protein forms P24A, P60A, P80A.
Identifiers: ClinVar variation 1904146 (VCV001904146.5), dbSNP rs367782565, ClinGen allele CA4640335.